The following is an entry in ClinVar:

ClinVar aggregate classification (germline): Uncertain significance (1 of 4 stars; one submission).

Conditions:
Intellectual developmental disorder with dysmorphic facies, seizures, and distal limb anomalies (IDDFSDA). Identifiers: Orphanet 505237, MedGen C4479520, MONDO:0044319, OMIM 617452.

gnomAD v4.1: 1 of 1,562,096 alleles (0.000064%); highest among the groups gnomAD compares: Non-Finnish European, 0.000087%; no homozygotes.

Submission:

Broad Center for Mendelian Genomics, Broad Institute of MIT and Harvard
Classification: Uncertain significance for Intellectual developmental disorder with dysmorphic facies, seizures, and distal limb anomalies. Last evaluated: 2024-03-13. Review status: criteria provided, single submitter. Criteria: ACMG Guidelines, 2015. Collection method: curation. Allele origin: germline. Inheritance: Autosomal recessive inheritance.
Comment: The p.Leu231Pro variant in OTUD6B has been not previously reported in individuals with intellectual developmental disorder with dysmorphic facies, seizures, and distal limb anomalies. This variant was absent from large population studies. The p.Leu231Pro variant is located in a region of OTUD6B that is essential to enzyme (cysteine protease) activity, suggesting that this variant is in a functional domain and slightly supports pathogenicity (PMID: 28343629). Computational prediction tools and conservation analyses suggest that this variant may impact the protein, though this information is not predictive enough to determine pathogenicity. We believe this is a possible phenotype expansion for OTUD6B-related disorders. In summary, the clinical significance of the p.Leu231Pro variant is uncertain. ACMG/AMP Criteria applied: PM1_Supporting, PM2_Supporting, PP3 (Richards 2015).

Literature cited by the submitters: PubMed 39033378.

NM_016023.5(OTUD6B):c.692T>C (p.Leu231Pro)

Gene: OTUD6B (OTU deubiquitinase 6B; plus strand). Cytogenetic location: 8q21.3.
Variant type: single nucleotide variant.
Coding change: c.692T>C on transcript NM_016023.5 (MANE Select); coding-DNA position 692, T replaced by C.
Protein change: p.Leu231Pro; replaces leucine 231 with proline.
Molecular consequence: missense variant.
Genome position (GRCh38, 1-based): chr8:91,084,009, T>C. VCF-style: chr8-91084009-T-C. GRCh37 (hg19) VCF-style: chr8-92096237-T-C.
Other names: NM_001286745.3:c.389T>C; c.389T>C, p.Leu130Pro (NM_001286745.3); c.611T>C, p.Leu204Pro (NM_001416022.1); short protein forms L130P, L204P, L231P.
Identifiers: ClinVar variation 3061834 (VCV003061834.1), dbSNP rs2488428661, ClinGen allele CA371662663.